The following is an entry in ClinVar:

NM_000551.4(VHL):c.193T>G (p.Ser65Ala)

Gene: VHL (von Hippel-Lindau tumor suppressor; plus strand). Cytogenetic location: 3p25.3.
Variant type: single nucleotide variant.
Coding change: c.193T>G on transcript NM_000551.4 (MANE Select); coding-DNA position 193, T replaced by G.
Protein change: p.Ser65Ala; replaces serine 65 with alanine.
Molecular consequence: missense variant.
Genome position (GRCh38, 1-based): chr3:10,142,040, T>G. VCF-style: chr3-10142040-T-G. GRCh37 (hg19) VCF-style: chr3-10183724-T-G.
Other names: c.193T>G, p.Ser65Ala (NM_001354723.2, NM_198156.3); short protein forms S65A.
Identifiers: ClinVar variation 223160 (VCV000223160.2), dbSNP rs869025616, ClinGen allele CA357048.

ClinVar aggregate classification (germline): Likely pathogenic (0 of 4 stars; one submission).
ClinVar aggregate classification (somatic clinical impact): Tier I - Strong (1 of 4 stars; one submission).

Conditions:
Von Hippel-Lindau syndrome (VHLS). Also called: Von Hippel-Lindau; von Hippel–Lindau syndrome; VHL syndrome. Identifiers: Orphanet 892, MedGen C0019562, MONDO:0008667, OMIM 193300. Disease mechanism: loss of function.
Pheochromocytoma. Also called: MAX-Related Hereditary Paraganglioma-Pheochromocytoma Syndrome. Identifiers: Orphanet 29072, MedGen C0031511, MONDO:0008233, OMIM 171300, HP:0002666.

Submissions (2):

Institute for Genomic Medicine (IGM) Clinical Laboratory, Nationwide Children's Hospital
Classification: Tier I - Strong for Pheochromocytoma. Assertion type: diagnostic. Clinical significance: supports diagnosis. Last evaluated: 2024-08-14. Review status: criteria provided, single submitter. Criteria: AMP/ASCO/CAP Guidelines, 2017. Collection method: clinical testing. Allele origin: somatic. Affected: yes.
Comment: Variant has Tier I (strong) clinical significance as a diagnostic inclusion criterion in pheochromocytoma, based on the following evidence: 1) Documented in one or more cancer databases (e.g., St. Jude Pecan, COSMIC, CIViC, OncoKB). 2) Appears in one or more well-established professional guidelines (e.g., World Health Organization [WHO]; National Comprehensive Cancer Network [NCCN]) as providing diagnostic, prognostic, or therapeutic information. 3) Diagnostic for a specific tumor type/classification based on well-powered studies with expert-level consensus (Evidence Level B; PMIDs: 29413423, 25545346, 36854674, 21784903, 33362715, 28162975, 24466223).

Genomic Diagnostic Laboratory, Division of Genomic Diagnostics, Children's Hospital of Philadelphia
Classification: Likely pathogenic for Von Hippel-Lindau syndrome. Last evaluated: 2016-02-26. Review status: no assertion criteria provided. Collection method: clinical testing. Allele origin: germline. Observed: 9 variant alleles.

Literature cited by the submitters: PubMed 29413423 (cited by Institute for Genomic Medicine (IGM) Clinical Laboratory, Nationwide Children's Hospital); PubMed 25545346 (cited by Institute for Genomic Medicine (IGM) Clinical Laboratory, Nationwide Children's Hospital); PubMed 36854674 (cited by Institute for Genomic Medicine (IGM) Clinical Laboratory, Nationwide Children's Hospital); PubMed 21784903 (cited by Institute for Genomic Medicine (IGM) Clinical Laboratory, Nationwide Children's Hospital); PubMed 33362715 (cited by Institute for Genomic Medicine (IGM) Clinical Laboratory, Nationwide Children's Hospital); PubMed 28162975 (cited by Institute for Genomic Medicine (IGM) Clinical Laboratory, Nationwide Children's Hospital); PubMed 24466223 (cited by Institute for Genomic Medicine (IGM) Clinical Laboratory, Nationwide Children's Hospital).